The following is an entry in ClinVar:

ClinVar aggregate classification (germline): Pathogenic/Likely pathogenic. Review status: criteria provided, multiple submitters, no conflicts (2 of 4 stars). 3 submissions from 3 submitters: Pathogenic (1); Likely pathogenic (2). Last evaluated 2025-12-26.

Conditions:
Methylcobalamin deficiency type cblE (HMAE). Also called: HOMOCYSTINURIA-MEGALOBLASTIC ANEMIA, cblE COMPLEMENTATION TYPE; HOMOCYSTINURIA-MEGALOBLASTIC ANEMIA, cblE TYPE; VITAMIN B12-RESPONSIVE HOMOCYSTINURIA, cblE TYPE. Identifiers: Orphanet 2169, Orphanet 622, MedGen C1856057, MONDO:0009354, OMIM 236270.
Neural tube defects, folate-sensitive (NTDFS). Also called: NTD, FOLATE-SENSITIVE. Identifiers: Orphanet 823, MedGen C1866558, MONDO:0011120, OMIM 601634.

Submissions (3):

Natera, Inc.
Classification: Likely pathogenic for CblE complementation type homocystinuria-megaloblastic anemia due to defect in cobalamin metabolism. Last evaluated: 2025-12-26. Review status: criteria provided, single submitter. Criteria: Natera Variant Classification Schema (03/2026). Collection method: clinical testing. Allele origin: germline.
Comment: The c.270delG variant in MTRR is a frameshift variant predicted to shift the reading frame beginning at codon 91 and leads to a stop codon 20 codons downstream. This variant is expected to result in nonsense mediated decay, truncation, or a dysfunctional protein product. This variant is rare in the general population with a frequency below the threshold expected for the associated phenotype(s). Given the available evidence, this variant is classified as Likely Pathogenic.

Baylor Genetics
Classification: Likely pathogenic for Neural tube defects, folate-sensitive. Last evaluated: 2023-07-06. Review status: criteria provided, single submitter. Criteria: ACMG Guidelines, 2015. Collection method: clinical testing. Allele origin: unknown.

Labcorp Genetics (formerly Invitae), Labcorp
Classification: Pathogenic for Methylcobalamin deficiency type cblE. Last evaluated: 2018-10-07. Review status: criteria provided, single submitter. Criteria: Invitae Variant Classification Sherloc (09022015). Collection method: clinical testing. Allele origin: germline.
Comment: This variant is not present in population databases (ExAC no frequency). For these reasons, this variant has been classified as Pathogenic. Loss-of-function variants in MTRR are known to be pathogenic (PMID: 15714522). Algorithms developed to predict the effect of sequence changes on RNA splicing suggest that this variant may create or strengthen a splice site, but this prediction has not been confirmed by published transcriptional studies. This variant has not been reported in the literature in individuals with MTRR-related disease. This sequence change creates a premature translational stop signal (p.Tyr91Metfs*20) in the MTRR gene. It is expected to result in an absent or disrupted protein product.

Literature cited by the submitters: PubMed 15714522 (cited by Labcorp Genetics (formerly Invitae), Labcorp).

NM_002454.3(MTRR):c.270del (p.Tyr91fs)

Gene: MTRR (5-methyltetrahydrofolate-homocysteine methyltransferase reductase; plus strand). Cytogenetic location: 5p15.31.
Variant type: Deletion.
Coding change: c.270del on transcript NM_002454.3 (MANE Select); coding-DNA position 270, one base deleted (G; older notation c.270delG).
Protein change: p.Tyr91fs; shifts the reading frame from tyrosine 91.
Molecular consequence: frameshift variant. On other transcripts: non-coding transcript variant (6).
Genome position (GRCh38, 1-based): chr5:7,873,513, G deleted; the last of 2 consecutive G bases (chr5:7,873,512-7,873,513); deleting either gives the same sequence. VCF-style (leftmost placement, unchanged base first): chr5-7873511-CG-C. GRCh37 (hg19) VCF-style: chr5-7873624-CG-C.
Other names: c.270del, p.Tyr91fs (NM_001364440.2, NM_001364441.2, NM_001364442.2 and 1 more transcripts); short protein forms Y91fs.
Identifiers: ClinVar variation 650561 (VCV000650561.9), dbSNP rs1579619636, ClinGen allele CA915943295.
Genomic context (GRCh38, chr5:7,873,511, plus strand): 5'-CGCAAGTTTGTTAAGGAAATACAGAACCAAACACTGCCGGTTGATTTCTTTGCTCACCTG[CG>C]GTATGGGTTACTGGGTAATGGACTCTCTCTTCTGATCTTACTATAGTATACTATTGATAT-3'